The following is an entry in ClinVar:

NM_001048174.2(MUTYH):c.566G>C (p.Arg189Pro)

Gene: MUTYH (mutY DNA glycosylase; minus strand). Cytogenetic location: 1p34.1.
Variant type: single nucleotide variant.
Coding change: c.566G>C on transcript NM_001048174.2 (MANE Select); coding-DNA position 566, G replaced by C.
Protein change: p.Arg189Pro; replaces arginine 189 with proline.
Molecular consequence: missense variant. On other transcripts: non-coding transcript variant (7).
Genome position (GRCh38, 1-based): chr1:45,332,614, C>G on the plus strand (G>C on the coding strand, the complement: MUTYH is on the minus strand). VCF-style: chr1-45332614-C-G. GRCh37 (hg19) VCF-style: chr1-45798286-C-G.
Other names: c.650G>C, p.Arg217Pro (NM_001128425.2); c.611G>C, p.Arg204Pro (NM_001293190.2); c.599G>C, p.Arg200Pro (NM_001293191.2, NM_001407069.1, NM_001407077.1); c.290G>C, p.Arg97Pro (NM_001293192.2, NM_001293196.2, NM_001407091.1); c.566G>C, p.Arg189Pro (NM_001293195.2, NM_001407081.1, NM_001407088.1 and 6 more transcripts); c.221G>C, p.Arg74Pro (NM_001350650.2, NM_001407082.1, NM_001350651.2); c.524G>C, p.Arg175Pro (NM_001407080.1); c.608G>C, p.Arg203Pro (NM_001407083.1, NM_001407085.1); and 5 more; short protein forms R161P, R190P, R214P, R97P, R176P, R189P, R203P, R217P.
Identifiers: ClinVar variation 4113784 (VCV004113784.2).

ClinVar aggregate classification (germline): Uncertain significance. Review status: criteria provided, multiple submitters, no conflicts (2 of 4 stars). 2 submissions from 2 submitters: Uncertain significance (2). Last evaluated 2025-09-30.

Conditions:
Familial adenomatous polyposis 2. Also called: COLORECTAL ADENOMATOUS POLYPOSIS, AUTOSOMAL RECESSIVE; ADENOMAS, MULTIPLE COLORECTAL, AUTOSOMAL RECESSIVE; MYH-associated polyposis; MUTYH-associated polyposis; MUTYH-related attenuated familial adenomatous polyposis; FAP type 2. Identifiers: Orphanet 220460, Orphanet 247798, MedGen C3272841, MONDO:0012041, OMIM 608456.
Hereditary cancer-predisposing syndrome. Also called: Tumor predisposition; Neoplastic Syndromes, Hereditary; Hereditary Cancer Syndrome; Hereditary neoplastic syndrome. Identifiers: Orphanet 140162, MedGen C0027672, MeSH D009386, MONDO:0015356.

Submissions (2):

Labcorp Genetics (formerly Invitae), Labcorp
Classification: Uncertain significance for Familial adenomatous polyposis 2. Last evaluated: 2025-09-30. Review status: criteria provided, single submitter. Criteria: Invitae Variant Classification Sherloc (09022015). Collection method: clinical testing. Allele origin: germline.
Comment: This sequence change replaces arginine, which is basic and polar, with proline, which is neutral and non-polar, at codon 217 of the MUTYH protein (p.Arg217Pro). This variant is not present in population databases (gnomAD no frequency). This variant has not been reported in the literature in individuals affected with MUTYH-related conditions. An algorithm developed to predict the effect of missense changes on protein structure and function (PolyPhen-2) suggests that this variant is likely to be disruptive. In summary, the available evidence is currently insufficient to determine the role of this variant in disease. Therefore, it has been classified as a Variant of Uncertain Significance.

Ambry Genetics
Classification: Uncertain significance for Hereditary cancer-predisposing syndrome. Last evaluated: 2025-08-27. Review status: criteria provided, single submitter. Criteria: Ambry Variant Classification Scheme 2023. Collection method: clinical testing. Allele origin: germline.
Comment: The p.R217P variant (also known as c.650G>C), located in coding exon 8 of the MUTYH gene, results from a G to C substitution at nucleotide position 650. The arginine at codon 217 is replaced by proline, an amino acid with dissimilar properties. This amino acid position is conserved. In addition, this alteration is predicted to be deleterious by in silico analysis. Based on the available evidence, the clinical significance of this variant remains unclear.